The following is an entry in ClinVar:

NM_152703.5(SAMD9L):c.1178G>C (p.Ser393Thr)

Gene: SAMD9L (sterile alpha motif domain containing 9 like; minus strand). Cytogenetic location: 7q21.2.
Variant type: single nucleotide variant.
Coding change: c.1178G>C on transcript NM_152703.5 (MANE Select); coding-DNA position 1178, G replaced by C.
Protein change: p.Ser393Thr; replaces serine 393 with threonine.
Molecular consequence: missense variant.
Genome position (GRCh38, 1-based): chr7:93,134,794, C>G on the plus strand (G>C on the coding strand, the complement: SAMD9L is on the minus strand). VCF-style: chr7-93134794-C-G. GRCh37 (hg19) VCF-style: chr7-92764107-C-G.
Other names: c.1178G>C, p.Ser393Thr (NM_001303496.3, NM_001303497.3, NM_001303498.3 and 5 more transcripts); c.1178G>C (NM_152703.2); short protein forms S393T.
Identifiers: ClinVar variation 3253128 (VCV003253128.2), dbSNP rs755831687.

ClinVar aggregate classification (germline): Uncertain significance. Review status: criteria provided, multiple submitters, no conflicts (2 of 4 stars). 2 submissions from 2 submitters: Uncertain significance (2). Last evaluated 2025-06-25.

Conditions:
Inborn genetic diseases. Identifiers: MedGen C0950123, MeSH D030342.

Submissions (2):

Ambry Genetics
Classification: Uncertain significance for Inborn genetic diseases. Last evaluated: 2025-06-25. Review status: criteria provided, single submitter. Criteria: Ambry Variant Classification Scheme 2023. Collection method: clinical testing. Allele origin: germline.
Comment: The p.S393T variant (also known as c.1178G>C), located in coding exon 1 of the SAMD9L gene, results from a G to C substitution at nucleotide position 1178. The serine at codon 393 is replaced by threonine, an amino acid with similar properties. This amino acid position is conserved. In addition, this alteration is predicted to be tolerated by in silico analysis. Based on the available evidence, the clinical significance of this variant remains unclear.

GeneDx
Classification: Uncertain significance. Last evaluated: 2023-12-10. Review status: criteria provided, single submitter. Criteria: GeneDx Variant Classification Process June 2021. Collection method: clinical testing. Allele origin: germline. Affected: yes.
Comment: Not observed at significant frequency in large population cohorts (gnomAD); In silico analysis supports that this missense variant does not alter protein structure/function; Has not been previously published as pathogenic or benign to our knowledge